The following is an entry in ClinVar:

ClinVar aggregate classification (germline): Benign/Likely benign. Review status: criteria provided, multiple submitters, no conflicts (2 of 4 stars). 3 submissions from 3 submitters: Benign (1); Likely benign (2). Last evaluated 2026-08-01.

Conditions:
Methylmalonic acidemia with homocystinuria, type cblX (MAHCX). Also called: INTELLECTUAL DEVELOPMENTAL DISORDER, X-LINKED 3. Identifiers: Orphanet 369962, MedGen C0796208, MONDO:0010657, OMIM 309541.

Allele frequency attached by ClinVar (database versions not stated): gnomAD exomes 0.00001; TOPMed 0.00003; ExAC 0.00004.

Submissions (3):

CeGaT Center for Human Genetics Tuebingen
Classification: Likely benign. Last evaluated: 2026-08-01. Review status: criteria provided, single submitter. Criteria: CeGaT Center For Human Genetics Tuebingen Variant Classification Criteria Version 2. Collection method: clinical testing. Allele origin: germline. Affected: yes. Observed: 1 variant allele.
Comment: HCFC1: BP4

Women's Health and Genetics/Laboratory Corporation of America, LabCorp
Classification: Likely benign. Last evaluated: 2024-04-12. Review status: criteria provided, single submitter. Criteria: LabCorp Variant Classification Summary - May 2015. Collection method: clinical testing. Allele origin: germline.
Comment: Variant summary: HCFC1 c.4135G>A (p.Asp1379Asn) results in a conservative amino acid change in the encoded protein sequence. Five of five in-silico tools predict a benign effect of the variant on protein function. The variant allele was found at a frequency of 1.2e-05 in 1202535 control chromosomes including 5 hemizygotes (gnomAD 4.0.0) suggesting a benign role for the variant. To our knowledge, no occurrence of c.4135G>A in individuals affected with Methylmalonic Acidemia With Homocystinuria and no experimental evidence demonstrating its impact on protein function have been reported. ClinVar contains an entry for this variant (Variation ID: 2914658). Based on the evidence outlined above, the variant was classified as likely benign.

Labcorp Genetics (formerly Invitae), Labcorp
Classification: Benign for Methylmalonic acidemia with homocystinuria, type cblX. Last evaluated: 2024-02-01. Review status: criteria provided, single submitter. Criteria: Invitae Variant Classification Sherloc (09022015). Collection method: clinical testing. Allele origin: germline.

NM_005334.3(HCFC1):c.4135G>A (p.Asp1379Asn)

Gene: HCFC1 (host cell factor C1; minus strand). Cytogenetic location: Xq28.
Variant type: single nucleotide variant.
Coding change: c.4135G>A on transcript NM_005334.3 (MANE Select); coding-DNA position 4135, G replaced by A.
Protein change: p.Asp1379Asn; replaces aspartic acid 1379 with asparagine.
Molecular consequence: missense variant.
Genome position (GRCh38, 1-based): chrX:153,954,264, C>T on the plus strand (G>A on the coding strand, the complement: HCFC1 is on the minus strand). VCF-style: chrX-153954264-C-T. GRCh37 (hg19) VCF-style: chrX-153219715-C-T.
Other names: c.4135G>A, p.Asp1379Asn (NM_001410705.1); short protein forms D1379N.
Identifiers: ClinVar variation 2914658 (VCV002914658.5), dbSNP rs782655422, ClinGen allele CA10557066.